The following is an entry in ClinVar:

ClinVar aggregate classification (germline): Uncertain significance (1 of 4 stars; one submission).

Submission:

GeneDx
Classification: Uncertain significance. Last evaluated: 2019-04-23. Review status: criteria provided, single submitter. Criteria: GeneDx Variant Classification Process June 2021. Collection method: clinical testing. Allele origin: germline. Affected: yes.
Comment: Not observed in large population cohorts (Lek et al., 2016); In silico analysis, which includes protein predictors and evolutionary conservation, supports that this variant does not alter protein structure/function; Has not been previously published as pathogenic or benign to our knowledge

NM_001354604.2(MITF):c.1391G>T (p.Gly464Val)

Gene: MITF (melanocyte inducing transcription factor; plus strand). Cytogenetic location: 3p13.
Variant type: single nucleotide variant.
Coding change: c.1391G>T on transcript NM_001354604.2 (MANE Select); coding-DNA position 1391, G replaced by T.
Protein change: p.Gly464Val; replaces glycine 464 with valine.
Molecular consequence: missense variant.
Genome position (GRCh38, 1-based): chr3:69,965,058, G>T. VCF-style: chr3-69965058-G-T. GRCh37 (hg19) VCF-style: chr3-70014209-G-T.
Other names: c.1070G>T, p.Gly357Val (NM_000248.4); c.1217G>T, p.Gly406Val (NM_001184967.2, NM_001354608.2); c.1388G>T, p.Gly463Val (NM_001354605.2); c.1370G>T, p.Gly457Val (NM_001354606.2, NM_006722.3); c.1322G>T, p.Gly441Val (NM_001354607.2); c.1052G>T, p.Gly351Val (NM_198158.3); c.1373G>T, p.Gly458Val (NM_198159.3); c.1325G>T, p.Gly442Val (NM_198177.3); and 1 more; short protein forms G295V, G351V, G357V, G406V, G441V, G442V, G457V, G458V.
Identifiers: ClinVar variation 1305242 (VCV001305242.2), dbSNP rs1297217487, ClinGen allele CA353559748.
Genomic context (GRCh38, chr3:69,965,058, plus strand): 5'-GTACAACAACTCTCGATCTCACGGATGGCACCATCACCTTCAACAACAACCTCGGAACTG[G>T]GACTGAGGCCAACCAAGCCTATAGTGTCCCCACAAAAATGGGATCCAAACTGGAAGACAT-3'
Protein context (NP_001341533.1, residues 454-474): TITFNNNLGT[Gly464Val]TEANQAYSVP